The following is an entry in ClinVar:

ClinVar aggregate classification (germline): Uncertain significance (1 of 4 stars; one submission).

Conditions:
Congenital disorder of deglycosylation (CDDG). Identifiers: MedGen C3808991, MONDO:0031376.

Submission:

Labcorp Genetics (formerly Invitae), Labcorp
Classification: Uncertain significance for Congenital disorder of deglycosylation. Last evaluated: 2022-08-21. Review status: criteria provided, single submitter. Criteria: Invitae Variant Classification Sherloc (09022015). Collection method: clinical testing. Allele origin: germline.
Comment: This sequence change replaces glycine, which is neutral and non-polar, with aspartic acid, which is acidic and polar, at codon 274 of the NGLY1 protein (p.Gly274Asp). This variant is not present in population databases (gnomAD no frequency). This variant has not been reported in the literature in individuals affected with NGLY1-related conditions. ClinVar contains an entry for this variant (Variation ID: 1443933). Algorithms developed to predict the effect of missense changes on protein structure and function output the following: SIFT: "Tolerated"; PolyPhen-2: "Benign"; Align-GVGD: "Class C0". The aspartic acid amino acid residue is found in multiple mammalian species, which suggests that this missense change does not adversely affect protein function. In summary, the available evidence is currently insufficient to determine the role of this variant in disease. Therefore, it has been classified as a Variant of Uncertain Significance.

NM_018297.4(NGLY1):c.821G>A (p.Gly274Asp)

Gene: NGLY1 (N-glycanase 1; minus strand). Cytogenetic location: 3p24.2.
Variant type: single nucleotide variant.
Coding change: c.821G>A on transcript NM_018297.4 (MANE Select); coding-DNA position 821, G replaced by A.
Protein change: p.Gly274Asp; replaces glycine 274 with aspartic acid.
Molecular consequence: missense variant.
Genome position (GRCh38, 1-based): chr3:25,739,637, C>T on the plus strand (G>A on the coding strand, the complement: NGLY1 is on the minus strand). VCF-style: chr3-25739637-C-T. GRCh37 (hg19) VCF-style: chr3-25781128-C-T.
Other names: c.821G>A, p.Gly274Asp (NM_001145293.2, NM_001145295.2); c.695G>A, p.Gly232Asp (NM_001145294.2); short protein forms G274D, G232D.
Identifiers: ClinVar variation 1443933 (VCV001443933.3), dbSNP rs1706023881, ClinGen allele CA351902666.